The following is an entry in ClinVar:

NM_003482.4(KMT2D):c.5533+1G>A

Gene: KMT2D (lysine methyltransferase 2D; minus strand). Cytogenetic location: 12q13.12.
Variant type: single nucleotide variant.
Coding change: c.5533+1G>A on transcript NM_003482.4 (MANE Select); the canonical splice donor site of the intron after coding-DNA position 5533, G replaced by A.
Molecular consequence: splice donor variant.
Genome position (GRCh38, 1-based): chr12:49,043,362, C>T on the plus strand (G>A on the coding strand, the complement: KMT2D is on the minus strand). VCF-style: chr12-49043362-C-T. GRCh37 (hg19) VCF-style: chr12-49437145-C-T.
Identifiers: ClinVar variation 1319155 (VCV001319155.5), dbSNP rs2120567380, ClinGen allele CA384630481.

ClinVar aggregate classification (germline): Uncertain significance. Review status: criteria provided, multiple submitters, no conflicts (2 of 4 stars). 2 submissions from 2 submitters: Uncertain significance (2). Last evaluated 2026-02-02.

Conditions:
Kabuki syndrome 1 (KABUK1). Also called: KMT2D-Related Kabuki Syndrome. Identifiers: Orphanet 2322, MedGen CN030661, MONDO:0007843, OMIM 147920.

Submissions (2):

3billion
Classification: Uncertain significance for Kabuki syndrome 1. Last evaluated: 2026-02-02. Review status: criteria provided, single submitter. Criteria: ACMG Guidelines, 2015. Collection method: clinical testing. Allele origin: germline. Inheritance: Autosomal dominant inheritance. Affected: yes.
Comment: The variant is not observed in the gnomAD v4.0.0 dataset. Predicted Consequence/Location: Canonical splice site: predicted to alter splicing and result in a loss or disruption of normal protein function. Multiple pathogenic loss-of-function variants are reported downstream of the variant. In silico tools predict the variant to alter splicing and produce an abnormal transcript [SpliceAI: 0.98 (spliceogenicity >=0.2, non-spliceogenicity <0.1)]. The variant has been reported as of uncertain significance (ClinVar ID: VCV001319155).Therefore, this variant is classified as VUS according to the recommendation of ACMG/AMP guideline.

Institute for Clinical Genetics, University Hospital TU Dresden, University Hospital TU Dresden
Classification: Uncertain significance. Last evaluated: 2021-11-03. Review status: criteria provided, single submitter. Criteria: ACMG Guidelines, 2015. Collection method: clinical testing. Allele origin: germline.